The following is an entry in ClinVar:

NM_001304438.2(TMEM132E):c.2003T>C (p.Val668Ala)

Gene: TMEM132E (transmembrane protein 132E; plus strand). Cytogenetic location: 17q12.
Variant type: single nucleotide variant.
Coding change: c.2003T>C on transcript NM_001304438.2 (MANE Select); coding-DNA position 2003, T replaced by C.
Protein change: p.Val668Ala; replaces valine 668 with alanine.
Molecular consequence: missense variant.
Genome position (GRCh38, 1-based): chr17:34,636,032, T>C. VCF-style: chr17-34636032-T-C. GRCh37 (hg19) VCF-style: chr17-32963051-T-C.
Other names: NM_207313.1:c.1733T>C; short protein forms V668A.
Identifiers: ClinVar variation 2069436 (VCV002069436.5), dbSNP rs147487760, ClinGen allele CA8496872.

ClinVar aggregate classification (germline): Uncertain significance. Review status: criteria provided, multiple submitters, no conflicts (2 of 4 stars). 2 submissions from 2 submitters: Uncertain significance (2). Last evaluated 2023-10-02.

Allele frequency attached by ClinVar (database versions not stated): gnomAD 0.00011; ESP Exome Variant Server 0.00008; ExAC 0.00011; TOPMed 0.00014; gnomAD exomes 0.00014.
gnomAD v4.1: 203 of 1,536,302 alleles (0.013%); highest among the groups gnomAD compares: Non-Finnish European, 0.017%; 1 homozygote.

Submissions (2):

Labcorp Genetics (formerly Invitae), Labcorp
Classification: Uncertain significance. Last evaluated: 2023-10-02. Review status: criteria provided, single submitter. Criteria: Invitae Variant Classification Sherloc (09022015). Collection method: clinical testing. Allele origin: germline.
Comment: This sequence change replaces valine, which is neutral and non-polar, with alanine, which is neutral and non-polar, at codon 668 of the TMEM132E protein (p.Val668Ala). This variant is present in population databases (rs147487760, gnomAD 0.02%). This variant has not been reported in the literature in individuals affected with TMEM132E-related conditions. ClinVar contains an entry for this variant (Variation ID: 2069436). Experimental studies and prediction algorithms are not available or were not evaluated, and the functional significance of this variant is currently unknown. In summary, the available evidence is currently insufficient to determine the role of this variant in disease. Therefore, it has been classified as a Variant of Uncertain Significance.

Ambry Genetics
Classification: Uncertain significance. Last evaluated: 2022-12-19. Review status: criteria provided, single submitter. Criteria: Ambry Variant Classification Scheme 2023. Collection method: clinical testing. Allele origin: germline.